The following is an entry in ClinVar:

ClinVar aggregate classification (germline): Pathogenic (1 of 4 stars; one submission).

Allele frequency attached by ClinVar (database versions not stated): ExAC 0.00001; gnomAD 0.00001; TOPMed 0.00001; gnomAD exomes 0.00002.

Submission:

Labcorp Genetics (formerly Invitae), Labcorp
Classification: Pathogenic. Last evaluated: 2023-11-20. Review status: criteria provided, single submitter. Criteria: Invitae Variant Classification Sherloc (09022015). Collection method: clinical testing. Allele origin: germline.
Comment: This sequence change creates a premature translational stop signal (p.Ser651*) in the AGBL5 gene. It is expected to result in an absent or disrupted protein product. Loss-of-function variants in AGBL5 are known to be pathogenic (PMID: 27764769, 27842159). This variant is present in population databases (rs772873071, gnomAD 0.0009%). This variant has not been reported in the literature in individuals affected with AGBL5-related conditions. For these reasons, this variant has been classified as Pathogenic.

Literature cited by the submitters: PubMed 27764769; PubMed 27842159.

NM_021831.6(AGBL5):c.1950dup (p.Ser651Ter)

Gene: AGBL5 (AGBL carboxypeptidase 5; plus strand). Cytogenetic location: 2p23.3.
Variant type: Duplication.
Coding change: c.1950dup on transcript NM_021831.6 (MANE Select); coding-DNA position 1950, one base duplicated (T; older notation c.1950dupT).
Protein change: p.Ser651Ter; replaces serine 651 with a stop codon.
Molecular consequence: nonsense. On other transcripts: frameshift variant (1), non-coding transcript variant (2).
Genome position (GRCh38, 1-based): chr2:27,059,265, T duplicated. VCF-style (leftmost placement, unchanged base first): chr2-27059264-G-GT. GRCh37 (hg19) VCF-style: chr2-27282132-G-GT.
Other names: c.1950dup, p.Ser651Terfs (NM_001035506.1); c.1950dup, p.Ser651Ter (NM_001035507.3); short protein forms S651*.
Identifiers: ClinVar variation 2784135 (VCV002784135.3), dbSNP rs772873071, ClinGen allele CA1568025.